The following is an entry in ClinVar:

NM_001330260.2(SCN8A):c.4948G>C (p.Ala1650Pro)

Gene: SCN8A (sodium voltage-gated channel alpha subunit 8; plus strand). Cytogenetic location: 12q13.13.
Variant type: single nucleotide variant.
Coding change: c.4948G>C on transcript NM_001330260.2 (MANE Select); coding-DNA position 4948, G replaced by C.
Protein change: p.Ala1650Pro; replaces alanine 1650 with proline.
Molecular consequence: missense variant.
Genome position (GRCh38, 1-based): chr12:51,806,434, G>C. VCF-style: chr12-51806434-G-C. GRCh37 (hg19) VCF-style: chr12-52200218-G-C.
Other names: c.4825G>C, p.Ala1609Pro (NM_001177984.3, NM_001369788.1); c.4948G>C, p.Ala1650Pro (NM_014191.4); short protein forms A1609P, A1650P.
Identifiers: ClinVar variation 2839267 (VCV002839267.3), dbSNP rs879255709, ClinGen allele CA384880645.
Genomic context (GRCh38, chr12:51,806,434, plus strand): 5'-CTGATCAAAGGCGCCAAAGGGATTCGTACCCTGCTCTTTGCCTTAATGATGTCCTTGCCT[G>C]CCCTGTTCAACATCGGCCTTCTGCTCTTCCTGGTCATGTTCATCTTCTCCATTTTTGGGA-3'
Protein context (NP_001317189.1, residues 1640-1660): LLFALMMSLP[Ala1650Pro]LFNIGLLLFL

ClinVar aggregate classification (germline): Likely pathogenic (1 of 4 stars; one submission).

Conditions:
Early-infantile DEE. Also called: Early infantile epileptic encephalopathy; Early infantile epileptic encephalopathy with suppression bursts; Ohtahara syndrome. Identifiers: Orphanet 1934, MedGen C0393706, MONDO:0800491.

Submission:

Labcorp Genetics (formerly Invitae), Labcorp
Classification: Likely pathogenic for Early-infantile DEE. Last evaluated: 2023-11-24. Review status: criteria provided, single submitter. Criteria: Invitae Variant Classification Sherloc (09022015). Collection method: clinical testing. Allele origin: germline.
Comment: This sequence change replaces alanine, which is neutral and non-polar, with proline, which is neutral and non-polar, at codon 1650 of the SCN8A protein (p.Ala1650Pro). This variant is not present in population databases (gnomAD no frequency). This variant has not been reported in the literature in individuals affected with SCN8A-related conditions. Advanced modeling of protein sequence and biophysical properties (such as structural, functional, and spatial information, amino acid conservation, physicochemical variation, residue mobility, and thermodynamic stability) performed at Invitae indicates that this missense variant is expected to disrupt SCN8A protein function with a positive predictive value of 95%. This variant disrupts the p.Ala1650 amino acid residue in SCN8A. Other variant(s) that disrupt this residue have been determined to be pathogenic (PMID: 24888894, 29655203, 30171078, 32090326). This suggests that this residue is clinically significant, and that variants that disrupt this residue are likely to be disease-causing. In summary, the currently available evidence indicates that the variant is pathogenic, but additional data are needed to prove that conclusively. Therefore, this variant has been classified as Likely Pathogenic.

Literature cited by the submitters: PubMed 24888894; PubMed 29655203; PubMed 30171078; PubMed 32090326.